The following is an entry in ClinVar:

ClinVar aggregate classification (germline): Uncertain significance (1 of 4 stars; one submission).

Conditions:
Primary ciliary dyskinesia. Also called: Ciliary dyskinesia. Identifiers: Orphanet 244, MedGen C0008780, MONDO:0016575, HP:0012265.

Allele frequency attached by ClinVar (database versions not stated): TOPMed below 0.00001.

Submission:

Ambry Genetics
Classification: Uncertain significance for Primary ciliary dyskinesia. Last evaluated: 2021-06-23. Review status: criteria provided, single submitter. Criteria: Ambry Variant Classification Scheme 2023. Collection method: clinical testing. Allele origin: germline.
Comment: The p.Q315R variant (also known as c.944A>G), located in coding exon 11 of the DNAI1 gene, results from an A to G substitution at nucleotide position 944. The glutamine at codon 315 is replaced by arginine, an amino acid with highly similar properties. This amino acid position is conserved. In addition, the in silico prediction for this alteration is inconclusive. Since supporting evidence is limited at this time, the clinical significance of this alteration remains unclear.

NM_012144.4(DNAI1):c.944A>G (p.Gln315Arg)

Gene: DNAI1 (dynein axonemal intermediate chain 1; plus strand). Cytogenetic location: 9p13.3.
Variant type: single nucleotide variant.
Coding change: c.944A>G on transcript NM_012144.4 (MANE Select); coding-DNA position 944, A replaced by G.
Protein change: p.Gln315Arg; replaces glutamine 315 with arginine.
Molecular consequence: missense variant.
Genome position (GRCh38, 1-based): chr9:34,500,764, A>G. VCF-style: chr9-34500764-A-G. GRCh37 (hg19) VCF-style: chr9-34500762-A-G.
Other names: c.956A>G, p.Gln319Arg (NM_001281428.2); short protein forms Q319R, Q315R.
Identifiers: ClinVar variation 1766979 (VCV001766979.2), dbSNP rs1824814380, ClinGen allele CA373253149.